The following is an entry in ClinVar:

ClinVar aggregate classification (germline): Uncertain significance (1 of 4 stars; one submission).

Conditions:
Aortic aneurysm, familial thoracic 6 (AAT6). Also called: FAMILIAL THORACIC AORTIC ANEURYSM WITH LIVEDO RETICULARIS AND IRIS FLOCCULI. Identifiers: MedGen C2673186, MONDO:0012730, OMIM 611788.

Submission:

Labcorp Genetics (formerly Invitae), Labcorp
Classification: Uncertain significance for Aortic aneurysm, familial thoracic 6. Last evaluated: 2020-10-24. Review status: criteria provided, single submitter. Criteria: Invitae Variant Classification Sherloc (09022015). Collection method: clinical testing. Allele origin: germline.
Comment: This sequence change replaces lysine with glutamic acid at codon 217 of the ACTA2 protein (p.Lys217Glu). The lysine residue is highly conserved and there is a small physicochemical difference between lysine and glutamic acid. This variant is not present in population databases (ExAC no frequency). This variant has not been reported in the literature in individuals with ACTA2-related conditions. Advanced modeling of protein sequence and biophysical properties (such as structural, functional, and spatial information, amino acid conservation, physicochemical variation, residue mobility, and thermodynamic stability) performed at Invitae indicates that this missense variant is expected to disrupt ACTA2 protein function. In summary, the available evidence is currently insufficient to determine the role of this variant in disease. Therefore, it has been classified as a Variant of Uncertain Significance.

NM_001613.4(ACTA2):c.649A>G (p.Lys217Glu)

Genes: ACTA2-AS1 (ACTA2 antisense RNA 1; plus strand), ACTA2 (actin alpha 2, smooth muscle; minus strand). Cytogenetic location: 10q23.31.
Variant type: single nucleotide variant.
Coding change: c.649A>G on transcript NM_001613.4 (MANE Select); coding-DNA position 649, A replaced by G.
Protein change: p.Lys217Glu; replaces lysine 217 with glutamic acid.
Molecular consequence: missense variant. On other transcripts: non-coding transcript variant (1).
Genome position (GRCh38, 1-based): chr10:88,939,666, T>C on the plus strand (A>G on the coding strand, the complement: ACTA2 is on the minus strand). VCF-style: chr10-88939666-T-C. GRCh37 (hg19) VCF-style: chr10-90699423-T-C.
Other names: c.649A>G, p.Lys217Glu (NM_001141945.3, NM_001320855.2, NM_001406462.1 and 2 more transcripts); c.538A>G, p.Lys180Glu (NM_001406466.1); c.520A>G, p.Lys174Glu (NM_001406467.1, NM_001406468.1, NM_001406469.1); short protein forms K217E, K174E, K180E.
Identifiers: ClinVar variation 1062131 (VCV001062131.10), dbSNP rs2133250689, ClinGen allele CA377511484.